The following is an entry in ClinVar:

ClinVar aggregate classification (germline): Uncertain significance (1 of 4 stars; one submission).

Submission:

Labcorp Genetics (formerly Invitae), Labcorp
Classification: Uncertain significance. Last evaluated: 2025-10-24. Review status: criteria provided, single submitter. Criteria: Invitae Variant Classification Sherloc (09022015). Collection method: clinical testing. Allele origin: germline.
Comment: This sequence change replaces asparagine, which is neutral and polar, with threonine, which is neutral and polar, at codon 495 of the RASA2 protein (p.Asn495Thr). This variant is not present in population databases (gnomAD no frequency). This variant has not been reported in the literature in individuals affected with RASA2-related conditions. An algorithm developed to predict the effect of missense changes on protein structure and function (PolyPhen-2) suggests that this variant is likely to be tolerated. In summary, the available evidence is currently insufficient to determine the role of this variant in disease. Therefore, it has been classified as a Variant of Uncertain Significance.

NM_006506.5(RASA2):c.1484A>C (p.Asn495Thr)

Gene: RASA2 (RAS p21 protein activator 2; plus strand). Cytogenetic location: 3q23.
Variant type: single nucleotide variant.
Coding change: c.1484A>C on transcript NM_006506.5 (MANE Select); coding-DNA position 1484, A replaced by C.
Protein change: p.Asn495Thr; replaces asparagine 495 with threonine.
Molecular consequence: missense variant.
Genome position (GRCh38, 1-based): chr3:141,577,000, A>C. VCF-style: chr3-141577000-A-C. GRCh37 (hg19) VCF-style: chr3-141295842-A-C.
Other names: c.1484A>C, p.Asn495Thr (NM_001303245.3, NM_001303246.3); short protein forms N495T.
Identifiers: ClinVar variation 4723922 (VCV004723922.1).
Genomic context (GRCh38, chr3:141,577,000, plus strand): 5'-TTATCATCTTTGTTTTTTAATTGTTTTTGTGCATGACATTTCACCATTTTTTTCCTGCAG[A>C]TGACCCTCATGTTCAGTATTCTGCAGTGAGCAGCTTTGTATTTCTTCGTTTCTTTGCTGT-3'
Protein context (NP_006497.2, residues 485-505): LRQMATQRFP[Asn495Thr]DPHVQYSAVS